The following is an entry in ClinVar:

ClinVar aggregate classification (germline): Likely benign (1 of 4 stars; one submission).

Allele frequency attached by ClinVar (database versions not stated): 1000 Genomes Project 30x 0.00047; 1000 Genomes Project 0.00060; gnomAD 0.00176; TOPMed 0.00205; ESP Exome Variant Server 0.00215; ExAC 0.00241; gnomAD exomes 0.00263.
gnomAD v4.1: 4,096 of 1,613,914 alleles (0.25%); highest among the groups gnomAD compares: Admixed American, 0.31%; 8 homozygotes.

Submission:

CeGaT Center for Human Genetics Tuebingen
Classification: Likely benign. Last evaluated: 2023-07-01. Review status: criteria provided, single submitter. Criteria: CeGaT Center For Human Genetics Tuebingen Variant Classification Criteria Version 2. Collection method: clinical testing. Allele origin: germline. Affected: yes. Observed: 1 variant allele.
Comment: LYPLA1: BP4, BP7

NM_006330.4(LYPLA1):c.510C>T (p.His170=)

Genes: LYPLA1 (lysophospholipase 1; minus strand), LYPLA1-TCEA1 (LYPLA1-TCEA1 readthrough; minus strand). Cytogenetic location: 8q11.23.
Variant type: single nucleotide variant.
Coding change: c.510C>T on transcript NM_006330.4 (MANE Select); coding-DNA position 510, C replaced by T.
Protein change: p.His170=; no amino-acid change (histidine 170 retained).
Molecular consequence: synonymous variant.
Genome position (GRCh38, 1-based): chr8:54,051,141, G>A on the plus strand (C>T on the coding strand, the complement: LYPLA1 is on the minus strand). VCF-style: chr8-54051141-G-A. GRCh37 (hg19) VCF-style: chr8-54963701-G-A.
Other names: c.408C>T, p.His136= (NM_001279356.2); c.462C>T, p.His154= (NM_001279357.2); c.468C>T, p.His156= (NM_001279358.2); c.363C>T, p.His121= (NM_001279359.2); c.318C>T, p.His106= (NM_001279360.2).
Identifiers: ClinVar variation 2658602 (VCV002658602.24), dbSNP rs149138795, ClinGen allele CA4750340.
Genomic context (GRCh38, chr8:54,051,141, plus strand): 5'-TTTTAGTTTTTCCACCGTAAGAGAACCAAACATCAGGGGAACCAAAGGGTCACAATCCCC[G>A]TGGCACTGGAGAATAGAAATATCTCTATTAGCACCACCGATAGGACCCTGCAAAAAGCAA-3'
Protein context (NP_006321.1, residues 160-180): ANRDISILQC[His170=]GDCDPLVPLM